The following is an entry in ClinVar:

ClinVar aggregate classification (germline): Uncertain significance (1 of 4 stars; one submission).

Submission:

GeneDx
Classification: Uncertain significance. Last evaluated: 2023-02-15. Review status: criteria provided, single submitter. Criteria: GeneDx Variant Classification Process June 2021. Collection method: clinical testing. Allele origin: germline. Affected: yes.
Comment: Not observed at significant frequency in large population cohorts (gnomAD); In silico analysis supports that this missense variant has a deleterious effect on protein structure/function; Has not been previously published as pathogenic or benign to our knowledge

NM_182931.3(KMT2E):c.242C>T (p.Ser81Leu)

Gene: KMT2E (lysine methyltransferase 2E (inactive); plus strand). Cytogenetic location: 7q22.3.
Variant type: single nucleotide variant.
Coding change: c.242C>T on transcript NM_182931.3 (MANE Select); coding-DNA position 242, C replaced by T.
Protein change: p.Ser81Leu; replaces serine 81 with leucine.
Molecular consequence: missense variant.
Genome position (GRCh38, 1-based): chr7:105,063,406, C>T. VCF-style: chr7-105063406-C-T. GRCh37 (hg19) VCF-style: chr7-104703853-C-T.
Other names: c.242C>T, p.Ser81Leu (NM_001410908.1, NM_018682.4); short protein forms S81L.
Identifiers: ClinVar variation 2576669 (VCV002576669.1), dbSNP rs2536385249, ClinGen allele CA368774456.
Genomic context (GRCh38, chr7:105,063,406, plus strand): 5'-TTCAGGACCATAATTATGGTGCTCGTCCTCCTCCGACACCTCCGGCTTCCCCTCCTCCAT[C>T]AGTCCTTATTAGCAAAAATGAAGTAGGCATATTTACCACTCCTAATTTTGATGAAACTTC-3'
Protein context (NP_891847.1, residues 71-91): PPTPPASPPP[Ser81Leu]VLISKNEVGI